The following is an entry in ClinVar:

NM_002427.4(MMP13):c.756T>C (p.Phe252=)

Gene: MMP13 (matrix metallopeptidase 13; minus strand). Cytogenetic location: 11q22.2.
Variant type: single nucleotide variant.
Coding change: c.756T>C on transcript NM_002427.4 (MANE Select); coding-DNA position 756, T replaced by C.
Protein change: p.Phe252=; no amino-acid change (phenylalanine 252 retained).
Molecular consequence: synonymous variant.
Genome position (GRCh38, 1-based): chr11:102,952,055, A>G on the plus strand (T>C on the coding strand, the complement: MMP13 is on the minus strand). VCF-style: chr11-102952055-A-G. GRCh37 (hg19) VCF-style: chr11-102822784-A-G.
Identifiers: ClinVar variation 880506 (VCV000880506.9), dbSNP rs372000933, ClinGen allele CA6251905.

ClinVar aggregate classification (germline): Conflicting classifications of pathogenicity. Review status: criteria provided, conflicting classifications (1 of 4 stars). 4 submissions from 3 submitters: Uncertain significance (1); Benign (1); Likely benign (2). Last evaluated 2026-01-20.

Conditions:
Spondyloepimetaphyseal dysplasia, Missouri type. Identifiers: Orphanet 1040, Orphanet 93356, MedGen C1865832, MONDO:0011198, OMIM 602111.
Metaphyseal anadysplasia. Also called: Early-onset regressive form of metaphyseal dysplasia. Identifiers: Orphanet 1040, MedGen C0432226, MONDO:0015177.

Allele frequency attached by ClinVar (database versions not stated): TOPMed 0.00006; ESP Exome Variant Server 0.00008; gnomAD 0.00011; gnomAD exomes 0.00013 and 0.00014; ExAC 0.00014.

Submissions (4):

Labcorp Genetics (formerly Invitae), Labcorp
Classification: Likely benign. Last evaluated: 2026-01-20. Review status: criteria provided, single submitter. Criteria: Invitae Variant Classification Sherloc (09022015). Collection method: clinical testing. Allele origin: germline.

Blueprint Genetics
Classification: Likely benign. Last evaluated: 2023-09-08. Review status: criteria provided, single submitter. Criteria: ACMG Guidelines, 2015. Collection method: clinical testing. Allele origin: germline.

Illumina Laboratory Services, Illumina
Classification: Uncertain significance for Spondyloepimetaphyseal dysplasia, Missouri type. Last evaluated: 2018-01-13. Review status: criteria provided, single submitter. Criteria: ICSL Variant Classification Criteria 13 December 2019. Collection method: clinical testing. Allele origin: germline.

Illumina Laboratory Services, Illumina
Classification: Benign for Metaphyseal anadysplasia. Last evaluated: 2018-01-13. Review status: criteria provided, single submitter. Criteria: ICSL Variant Classification Criteria 13 December 2019. Collection method: clinical testing. Allele origin: germline.
Comment: This variant was observed in the ICSL laboratory as part of a predisposition screen in an ostensibly healthy population. It had not been previously curated by ICSL or reported in the Human Gene Mutation Database (HGMD: prior to June 1st, 2018), and was therefore a candidate for classification through an automated scoring system. Utilizing variant allele frequency, disease prevalence and penetrance estimates, and inheritance mode, an automated score was calculated to assess if this variant is too frequent to cause the disease. Based on the score and internal cut-off values, a variant classified as benign is not then subjected to further curation. The score for this variant resulted in a classification of benign for this disease.